The following is an entry in ClinVar:

NM_000222.3(KIT):c.1177C>T (p.Leu393=)

Gene: KIT (KIT proto-oncogene, receptor tyrosine kinase; plus strand). Cytogenetic location: 4q12.
Variant type: single nucleotide variant.
Coding change: c.1177C>T on transcript NM_000222.3 (MANE Select); coding-DNA position 1177, C replaced by T.
Protein change: p.Leu393=; no amino-acid change (leucine 393 retained).
Molecular consequence: synonymous variant.
Genome position (GRCh38, 1-based): chr4:54,709,485, C>T. VCF-style: chr4-54709485-C-T. GRCh37 (hg19) VCF-style: chr4-55575651-C-T.
Other names: c.1177C>T, p.Leu393= (NM_001093772.2, NM_001385285.1, NM_001385286.1); c.1180C>T, p.Leu394= (NM_001385284.1, NM_001385288.1, NM_001385290.1 and 1 more transcripts).
Identifiers: ClinVar variation 1094547 (VCV001094547.12), dbSNP rs750332587, ClinGen allele CA2923404.

ClinVar aggregate classification (germline): Benign/Likely benign. Review status: criteria provided, multiple submitters, no conflicts (2 of 4 stars). 3 submissions from 3 submitters: Benign (1); Likely benign (2). Last evaluated 2026-06-03.

Conditions:
Gastrointestinal stromal tumor. Also called: Gastrointestinal stroma tumor; Gastrointestinal stromal tumor, somatic. Identifiers: Orphanet 44890, MedGen C0238198, MeSH D046152, MONDO:0011719, OMIM 606764, HP:0100723.
Hereditary cancer-predisposing syndrome. Also called: Neoplastic Syndromes, Hereditary; Hereditary Cancer Syndrome; Hereditary neoplastic syndrome; Tumor predisposition. Identifiers: Orphanet 140162, MedGen C0027672, MeSH D009386, MONDO:0015356.

Allele frequency attached by ClinVar (database versions not stated): TOPMed below 0.00001; ExAC 0.00001.
gnomAD v4.1: 1 of 1,613,840 alleles (0.000062%); highest among the groups gnomAD compares: Admixed American, 0.0017%; no homozygotes.

Submissions (3):

Myriad Genetics, Inc.
Classification: Benign for Gastrointestinal stromal tumor. Last evaluated: 2026-06-03. Review status: criteria provided, single submitter. Criteria: Myriad Autosomal Dominant, Autosomal Recessive and X-Linked Classification Criteria (2023). Collection method: clinical testing. Allele origin: unknown.
Comment: This variant is considered benign. This variant is a silent/synonymous amino acid change and it is not expected to impact splicing.

Labcorp Genetics (formerly Invitae), Labcorp
Classification: Likely benign for Gastrointestinal stromal tumor. Last evaluated: 2024-05-10. Review status: criteria provided, single submitter. Criteria: Invitae Variant Classification Sherloc (09022015). Collection method: clinical testing. Allele origin: germline.

Ambry Genetics
Classification: Likely benign for Hereditary cancer-predisposing syndrome. Last evaluated: 2022-07-05. Review status: criteria provided, single submitter. Criteria: Ambry Variant Classification Scheme 2023. Collection method: clinical testing. Allele origin: germline.